The following is an entry in ClinVar:

ClinVar aggregate classification (germline): Uncertain significance (1 of 4 stars; one submission).

gnomAD v4.1: 4 of 1,467,810 alleles (0.00027%); highest among the groups gnomAD compares: East Asian, 0.0057%; no homozygotes.

Submission:

GeneDx
Classification: Uncertain significance. Last evaluated: 2025-06-13. Review status: criteria provided, single submitter. Criteria: GeneDx Variant Classification Process June 2021. Collection method: clinical testing. Allele origin: germline. Affected: yes.
Comment: Not observed at significant frequency in large population cohorts (gnomAD); In silico analysis suggests that this missense variant does not alter protein structure/function; Has not been previously published as pathogenic or benign to our knowledge

NM_001394372.1(BICRA):c.4244C>T (p.Ala1415Val)

Gene: BICRA (BRD4 interacting chromatin remodeling complex associated protein; plus strand). Cytogenetic location: 19q13.33.
Variant type: single nucleotide variant.
Coding change: c.4244C>T on transcript NM_001394372.1 (MANE Select); coding-DNA position 4244, C replaced by T.
Protein change: p.Ala1415Val; replaces alanine 1415 with valine.
Molecular consequence: missense variant.
Genome position (GRCh38, 1-based): chr19:47,701,976, C>T. VCF-style: chr19-47701976-C-T. GRCh37 (hg19) VCF-style: chr19-48205233-C-T.
Other names: c.4244C>T, p.Ala1415Val (NM_015711.3); short protein forms A1415V.
Identifiers: ClinVar variation 4538642 (VCV004538642.1).